The following is an entry in ClinVar:

NM_002528.7(NTHL1):c.97A>T (p.Arg33Ter)

Gene: NTHL1 (nth like DNA glycosylase 1; minus strand). Cytogenetic location: 16p13.3.
Variant type: single nucleotide variant.
Coding change: c.97A>T on transcript NM_002528.7 (MANE Select); coding-DNA position 97, A replaced by T.
Protein change: p.Arg33Ter; replaces arginine 33 with a stop codon.
Molecular consequence: nonsense. On other transcripts: 5 prime UTR variant (1).
Genome position (GRCh38, 1-based): chr16:2,047,727, T>A on the plus strand (A>T on the coding strand, the complement: NTHL1 is on the minus strand). VCF-style: chr16-2047727-T-A. GRCh37 (hg19) VCF-style: chr16-2097728-T-A.
Other names: c.97A>T, p.Arg33Ter (NM_001318193.2); c.-82A>T (NM_001318194.2); short protein forms R33*.
Identifiers: ClinVar variation 4842849 (VCV004842849.1).
Genomic context (GRCh38, chr16:2,047,727, plus strand): 5'-TATCCCGCCTCCTCCCACGCTCCAGCCACGGCGCGGCGCTACCTGCTGCAGCCTCTCTTC[T>A]CCGGAGAGGCCCGGGCTCCTCCCTACACCCCCGCGGCCCAGCCCCGGGTCCCAGGCTCCG-3'

ClinVar aggregate classification (germline): Uncertain significance (1 of 4 stars; one submission).

Conditions:
Hereditary cancer-predisposing syndrome. Also called: Neoplastic Syndromes, Hereditary; Tumor predisposition; Hereditary Cancer Syndrome; Hereditary neoplastic syndrome. Identifiers: Orphanet 140162, MedGen C0027672, MeSH D009386, MONDO:0015356.

Submission:

Ambry Genetics
Classification: Uncertain significance for Hereditary cancer-predisposing syndrome. Last evaluated: 2025-12-26. Review status: criteria provided, single submitter. Criteria: Ambry Variant Classification Scheme 2023. Collection method: clinical testing. Allele origin: germline.
Comment: The p.R41* variant (also known as c.121A>T), located in coding exon 1 of the NTHL1 gene, results from an A to T substitution at nucleotide position 121. This changes the amino acid from an arginine to a stop codon within coding exon 1. The predicted stop codon occurs in the 5&rsquo; end of thegene. Premature termination codons in the 5&rsquo; end of a gene have been reported to escape nonsense-mediated mRNAdecay and/or lead to re-initiation (Rivas et al. Science. 2015 May 8;348(6235):666-9; Lindeboom et al. Nat Genet. 2016 Oct;48(10):1112-8; Rhee et al. Sci Rep. 2017 May 10;7(1):1653). The exact functional effect of this alteration is unknown. Since supporting evidence is limited at this time, the clinical significance of this alteration remains unclear.